The following is an entry in ClinVar:

NM_001291415.2(KDM6A):c.2891G>A (p.Ser964Asn)

Gene: KDM6A (lysine demethylase 6A; plus strand). Cytogenetic location: Xp11.3.
Variant type: single nucleotide variant.
Coding change: c.2891G>A on transcript NM_001291415.2 (MANE Select); coding-DNA position 2891, G replaced by A.
Protein change: p.Ser964Asn; replaces serine 964 with asparagine.
Molecular consequence: missense variant. On other transcripts: non-coding transcript variant (1).
Genome position (GRCh38, 1-based): chrX:45,076,729, G>A. VCF-style: chrX-45076729-G-A. GRCh37 (hg19) VCF-style: chrX-44935974-G-A.
Other names: c.2756G>A, p.Ser919Asn (NM_001291416.2, NM_001419811.1); c.2600G>A, p.Ser867Asn (NM_001291417.2); c.2498G>A, p.Ser833Asn (NM_001291418.2, NM_001419815.1); c.1847G>A, p.Ser616Asn (NM_001291421.2); c.2633G>A, p.Ser878Asn (NM_001410742.1, NM_001419814.1); c.2891G>A, p.Ser964Asn (NM_001419809.1); c.2789G>A, p.Ser930Asn (NM_001419810.1, NM_001419813.1); c.2735G>A, p.Ser912Asn (NM_001419812.1, NM_021140.4); short protein forms S867N, S930N, S912N, S919N, S833N, S964N, S616N, S878N.
Identifiers: ClinVar variation 2724015 (VCV002724015.3), dbSNP rs777101877, ClinGen allele CA10392568.

ClinVar aggregate classification (germline): Uncertain significance (1 of 4 stars; one submission).

Conditions:
Kabuki syndrome 2 (KABUK2). Also called: KDM6A-Related Kabuki Syndrome. Identifiers: Orphanet 2322, MedGen C3275495, MONDO:0010465, OMIM 300867.

Allele frequency attached by ClinVar (database versions not stated): gnomAD exomes below 0.00001; ExAC 0.00003.
gnomAD v4.1: 3 of 1,168,305 alleles (0.00026%); highest among the groups gnomAD compares: Admixed American, 0.0068%; no homozygotes.

Submission:

Labcorp Genetics (formerly Invitae), Labcorp
Classification: Uncertain significance for Kabuki syndrome 2. Last evaluated: 2024-11-18. Review status: criteria provided, single submitter. Criteria: Invitae Variant Classification Sherloc (09022015). Collection method: clinical testing. Allele origin: germline.
Comment: This sequence change replaces serine, which is neutral and polar, with asparagine, which is neutral and polar, at codon 912 of the KDM6A protein (p.Ser912Asn). This variant is present in population databases (rs777101877, gnomAD 0.02%). This variant has not been reported in the literature in individuals affected with KDM6A-related conditions. ClinVar contains an entry for this variant (Variation ID: 2724015). Invitae Evidence Modeling of protein sequence and biophysical properties (such as structural, functional, and spatial information, amino acid conservation, physicochemical variation, residue mobility, and thermodynamic stability) indicates that this missense variant is not expected to disrupt KDM6A protein function with a negative predictive value of 80%. In summary, the available evidence is currently insufficient to determine the role of this variant in disease. Therefore, it has been classified as a Variant of Uncertain Significance.